The following is an entry in ClinVar:

NM_001042492.3(NF1):c.8465A>G (p.Gln2822Arg)

Gene: NF1 (neurofibromin 1; plus strand). Cytogenetic location: 17q11.2.
Variant type: single nucleotide variant.
Coding change: c.8465A>G on transcript NM_001042492.3 (MANE Select); coding-DNA position 8465, A replaced by G.
Protein change: p.Gln2822Arg; replaces glutamine 2822 with arginine.
Molecular consequence: missense variant.
Genome position (GRCh38, 1-based): chr17:31,374,100, A>G. VCF-style: chr17-31374100-A-G. GRCh37 (hg19) VCF-style: chr17-29701118-A-G.
Other names: c.8402A>G, p.Gln2801Arg (NM_000267.4); short protein forms Q2801R, Q2822R.
Identifiers: ClinVar variation 2101454 (VCV002101454.4), dbSNP rs2151601524, ClinGen allele CA399206031.

ClinVar aggregate classification (germline): Uncertain significance (1 of 4 stars; one submission).

Conditions:
Neurofibromatosis, type 1 (NF1). Also called: Peripheral type neurofibromatosis; NEUROFIBROMATOSIS, TYPE I, SOMATIC; VON RECKLINGHAUSEN DISEASE; Neurofibromatosis, type I. Identifiers: Orphanet 636, MedGen C0027831, MONDO:0018975, OMIM 162200. Disease mechanism: loss of function.

Submission:

Labcorp Genetics (formerly Invitae), Labcorp
Classification: Uncertain significance for Neurofibromatosis, type 1. Last evaluated: 2022-02-22. Review status: criteria provided, single submitter. Criteria: Invitae Variant Classification Sherloc (09022015). Collection method: clinical testing. Allele origin: germline.
Comment: In summary, the available evidence is currently insufficient to determine the role of this variant in disease. Therefore, it has been classified as a Variant of Uncertain Significance. Advanced modeling of protein sequence and biophysical properties (such as structural, functional, and spatial information, amino acid conservation, physicochemical variation, residue mobility, and thermodynamic stability) performed at Invitae indicates that this missense variant is not expected to disrupt NF1 protein function. This variant has not been reported in the literature in individuals affected with NF1-related conditions. This variant is not present in population databases (gnomAD no frequency). This sequence change replaces glutamine, which is neutral and polar, with arginine, which is basic and polar, at codon 2801 of the NF1 protein (p.Gln2801Arg).